The following is an entry in ClinVar:

ClinVar aggregate classification (germline): Uncertain significance (1 of 4 stars; one submission).

Allele frequency attached by ClinVar (database versions not stated): TOPMed 0.00006; gnomAD 0.00007 and 0.00009; gnomAD exomes 0.00007.

Submission:

Labcorp Genetics (formerly Invitae), Labcorp
Classification: Uncertain significance. Last evaluated: 2025-08-12. Review status: criteria provided, single submitter. Criteria: Invitae Variant Classification Sherloc (09022015). Collection method: clinical testing. Allele origin: germline.
Comment: This sequence change affects the initiator codon of the SPPL2A mRNA. This change may impact translation initiation or efficiency. The next in-frame methionine is located at codon 43. This variant is present in population databases (no rsID available, gnomAD 0.02%). This variant has not been reported in the literature in individuals affected with SPPL2A-related conditions. ClinVar contains an entry for this variant (Variation ID: 1350344). Experimental studies and prediction algorithms are not available or were not evaluated, and the functional significance of this variant is currently unknown. In summary, the available evidence is currently insufficient to determine the role of this variant in disease. Therefore, it has been classified as a Variant of Uncertain Significance.

NM_032802.4(SPPL2A):c.3G>C (p.Met1Ile)

Genes: SPPL2A (signal peptide peptidase like 2A; minus strand), LOC130057047 (ATAC-STARR-seq lymphoblastoid silent region 6430; plus strand). Cytogenetic location: 15q21.2.
Variant type: single nucleotide variant.
Coding change: c.3G>C on transcript NM_032802.4 (MANE Select); coding-DNA position 3, G replaced by C.
Protein change: p.Met1Ile; changes the start codon (methionine 1).
Molecular consequence: missense variant, initiator codon variant.
Genome position (GRCh38, 1-based): chr15:50,765,531, C>G on the plus strand (G>C on the coding strand, the complement: SPPL2A is on the minus strand). VCF-style: chr15-50765531-C-G. GRCh37 (hg19) VCF-style: chr15-51057728-C-G.
Other names: short protein forms M1I.
Identifiers: ClinVar variation 1350344 (VCV001350344.8), dbSNP rs989615227, ClinGen allele CA270611534.